The following is an entry in ClinVar:

NM_001042492.3(NF1):c.464G>A (p.Ser155Asn)

Gene: NF1 (neurofibromin 1; plus strand). Cytogenetic location: 17q11.2.
Variant type: single nucleotide variant.
Coding change: c.464G>A on transcript NM_001042492.3 (MANE Select); coding-DNA position 464, G replaced by A.
Protein change: p.Ser155Asn; replaces serine 155 with asparagine.
Molecular consequence: missense variant.
Genome position (GRCh38, 1-based): chr17:31,163,361, G>A. VCF-style: chr17-31163361-G-A. GRCh37 (hg19) VCF-style: chr17-29490379-G-A.
Other names: c.464G>A, p.Ser155Asn (NM_000267.4, NM_001128147.3); short protein forms S155N.
Identifiers: ClinVar variation 481911 (VCV000481911.13), dbSNP rs1555606113, ClinGen allele CA398982148.

ClinVar aggregate classification (germline): Conflicting classifications of pathogenicity. Review status: criteria provided, conflicting classifications (1 of 4 stars). 3 submissions from 3 submitters: Uncertain significance (2); Benign (1). Last evaluated 2025-02-27.

Conditions:
Cardiovascular phenotype. Identifiers: MedGen CN230736.
Hereditary cancer-predisposing syndrome. Also called: Hereditary neoplastic syndrome; Neoplastic Syndromes, Hereditary; Tumor predisposition; Hereditary Cancer Syndrome. Identifiers: Orphanet 140162, MedGen C0027672, MeSH D009386, MONDO:0015356.
Neurofibromatosis, type 1 (NF1). Also called: VON RECKLINGHAUSEN DISEASE; Peripheral type neurofibromatosis; NEUROFIBROMATOSIS, TYPE I, SOMATIC; Neurofibromatosis, type I. Identifiers: Orphanet 636, MedGen C0027831, MONDO:0018975, OMIM 162200. Disease mechanism: loss of function.

Submissions (3):

Labcorp Genetics (formerly Invitae), Labcorp
Classification: Benign for Neurofibromatosis, type 1. Last evaluated: 2025-02-27. Review status: criteria provided, single submitter. Criteria: Invitae Variant Classification Sherloc (09022015). Collection method: clinical testing. Allele origin: germline.

Ambry Genetics
Classification: Uncertain significance for Cardiovascular phenotype; Hereditary cancer-predisposing syndrome. Last evaluated: 2023-11-20. Review status: criteria provided, single submitter. Criteria: Ambry Variant Classification Scheme 2023. Collection method: clinical testing. Allele origin: germline.
Comment: The p.S155N variant (also known as c.464G>A), located in coding exon 4 of the NF1 gene, results from a G to A substitution at nucleotide position 464. The serine at codon 155 is replaced by asparagine, an amino acid with highly similar properties. This amino acid position is highly conserved in available vertebrate species. In addition, the in silico prediction for this alteration is inconclusive. Since supporting evidence is limited at this time, the clinical significance of this alteration remains unclear.

Genome-Nilou Lab
Classification: Uncertain significance for Neurofibromatosis, type 1. Last evaluated: 2022-03-15. Review status: criteria provided, single submitter. Criteria: ACMG Guidelines, 2015. Collection method: clinical testing. Allele origin: germline. Affected: no.